The following is an entry in ClinVar:

NM_003128.3(SPTBN1):c.6978G>A (p.Ala2326=)

Genes: SPTBN1 (spectrin beta, non-erythrocytic 1; plus strand), SPTBN1-AS2 (SPTBN1 antisense RNA 2; minus strand). Cytogenetic location: 2p16.2.
Variant type: single nucleotide variant.
Coding change: c.6978G>A on transcript NM_003128.3 (MANE Select); coding-DNA position 6978, G replaced by A.
Protein change: p.Ala2326=; no amino-acid change (alanine 2326 retained).
Molecular consequence: synonymous variant.
Genome position (GRCh38, 1-based): chr2:54,668,452, G>A. VCF-style: chr2-54668452-G-A. GRCh37 (hg19) VCF-style: chr2-54895589-G-A.
Identifiers: ClinVar variation 3388212 (VCV003388212.14).

ClinVar aggregate classification (germline): Likely benign (1 of 4 stars; one submission).

gnomAD v4.1: 115 of 1,614,054 alleles (0.0071%); highest among the groups gnomAD compares: Middle Eastern, 0.016%; no homozygotes.

Submission:

CeGaT Center for Human Genetics Tuebingen
Classification: Likely benign. Last evaluated: 2024-10-01. Review status: criteria provided, single submitter. Criteria: CeGaT Center For Human Genetics Tuebingen Variant Classification Criteria Version 2. Collection method: clinical testing. Allele origin: germline. Affected: yes. Observed: 1 variant allele.
Comment: SPTBN1: BP4, BP7